The following is an entry in ClinVar:

ClinVar aggregate classification (germline): Uncertain significance (1 of 4 stars; one submission).

Conditions:
Andersen Tawil syndrome (LQT7). Also called: Potassium-sensitive periodic paralysis, ventricular ectopy, and dysmorphic features; ANDERSEN CARDIODYSRHYTHMIC PERIODIC PARALYSIS; PERIODIC PARALYSIS, POTASSIUM-SENSITIVE CARDIODYSRHYTHMIC TYPE; Andersen Syndrome; LONG QT SYNDROME 7. Identifiers: Orphanet 37553, MedGen C1563715, MONDO:0008222, OMIM 170390.
Short QT syndrome type 3. Identifiers: Orphanet 51083, MedGen C1865018, MONDO:0012314, OMIM 609622.

Submission:

Labcorp Genetics (formerly Invitae), Labcorp
Classification: Uncertain significance for Short QT syndrome type 3; Andersen Tawil syndrome. Last evaluated: 2019-11-12. Review status: criteria provided, single submitter. Criteria: Invitae Variant Classification Sherloc (09022015). Collection method: clinical testing. Allele origin: germline.
Comment: This sequence change replaces asparagine with isoleucine at codon 216 of the KCNJ2 protein (p.Asn216Ile). The asparagine residue is highly conserved and there is a large physicochemical difference between asparagine and isoleucine. This variant is not present in population databases (ExAC no frequency). Algorithms developed to predict the effect of missense changes on protein structure and function (SIFT, PolyPhen-2, Align-GVGD) all suggest that this variant is likely to be disruptive, but these predictions have not been confirmed by published functional studies and their clinical significance is uncertain. This variant disrupts the p.Asn216 amino acid residue in KCNJ2. Other variant(s) that disrupt this residue have been observed in individuals with KCNJ2-related conditions (PMID: 12163457), which suggests that this may be a clinically significant amino acid residue. In summary, the available evidence is currently insufficient to determine the role of this variant in disease. Therefore, it has been classified as a Variant of Uncertain Significance.

Literature cited by the submitters: PubMed 12163457.

NM_000891.3(KCNJ2):c.647A>T (p.Asn216Ile)

Gene: KCNJ2 (potassium inwardly rectifying channel subfamily J member 2; plus strand). Cytogenetic location: 17q24.3.
Variant type: single nucleotide variant.
Coding change: c.647A>T on transcript NM_000891.3 (MANE Select); coding-DNA position 647, A replaced by T.
Protein change: p.Asn216Ile; replaces asparagine 216 with isoleucine.
Molecular consequence: missense variant.
Genome position (GRCh38, 1-based): chr17:70,175,686, A>T. VCF-style: chr17-70175686-A-T. GRCh37 (hg19) VCF-style: chr17-68171827-A-T.
Other names: short protein forms N216I.
Identifiers: ClinVar variation 936451 (VCV000936451.9), dbSNP rs2074388429, ClinGen allele CA400861451.